The following is an entry in ClinVar:

NM_007294.4(BRCA1):c.224A>T (p.Glu75Val)

Gene: BRCA1 (BRCA1 DNA repair associated; minus strand). Cytogenetic location: 17q21.31.
Variant type: single nucleotide variant.
Coding change: c.224A>T on transcript NM_007294.4 (MANE Select); coding-DNA position 224, A replaced by T.
Protein change: p.Glu75Val; replaces glutamic acid 75 with valine.
Molecular consequence: missense variant. On other transcripts: non-coding transcript variant (1).
Genome position (GRCh38, 1-based): chr17:43,104,945, T>A on the plus strand (A>T on the coding strand, the complement: BRCA1 is on the minus strand). VCF-style: chr17-43104945-T-A. GRCh37 (hg19) VCF-style: chr17-41256962-T-A.
Other names: c.146A>T, p.Glu49Val (NM_001408412.1, NM_001408413.1, NM_001408414.1 and 21 more transcripts); c.224A>T, p.Glu75Val (NM_001408418.1, NM_001408419.1, NM_001408420.1 and 168 more transcripts); c.14A>T, p.Glu5Val (NM_001407571.1, NM_001407853.1, NM_001407879.1 and 58 more transcripts); c.83A>T, p.Glu28Val (NM_001407692.1, NM_001407694.1, NM_001407695.1 and 99 more transcripts); c.-158A>T (NM_001407959.1, NM_001407960.1, NM_001407962.1 and 4 more transcripts); c.92A>T, p.Glu31Val (NM_001408451.1); short protein forms E28V, E75V, E49V, E31V, E5V.
Identifiers: ClinVar variation 842334 (VCV000842334.18), dbSNP rs2054695923, ClinGen allele CA10601713.

ClinVar aggregate classification (germline): Uncertain significance. Review status: criteria provided, multiple submitters, no conflicts (2 of 4 stars). 2 submissions from 2 submitters: Uncertain significance (2). Last evaluated 2025-04-12.

Conditions:
Hereditary cancer-predisposing syndrome. Also called: Hereditary Cancer Syndrome; Hereditary neoplastic syndrome; Tumor predisposition; Neoplastic Syndromes, Hereditary. Identifiers: Orphanet 140162, MedGen C0027672, MeSH D009386, MONDO:0015356.
Hereditary breast ovarian cancer syndrome. Also called: Breast and ovarian cancer; Hereditary breast and ovarian cancer syndrome; Hereditary breast and ovarian cancer syndrome (HBOC); BRCA1- and BRCA2-Associated Hereditary Breast and Ovarian Cancer; Hereditary breast and ovarian cancer; Hereditary breast and/or ovarian cancer syndrome. Identifiers: Orphanet 145, MedGen C0677776, MeSH D061325, MONDO:0003582. Disease mechanism: loss of function.

Submissions (2):

Ambry Genetics
Classification: Uncertain significance for Hereditary cancer-predisposing syndrome. Last evaluated: 2025-04-12. Review status: criteria provided, single submitter. Criteria: Ambry Variant Classification Scheme 2023. Collection method: clinical testing. Allele origin: germline.
Comment: The p.E75V variant (also known as c.224A>T), located in coding exon 4 of the BRCA1 gene, results from an A to T substitution at nucleotide position 224. The glutamic acid at codon 75 is replaced by valine, an amino acid with dissimilar properties. A functional study testing heterodimerization with BARD1 in a mammalian two-hybrid assay reported indeterminate findings for this alteration (Clark KA et al. Am J Hum Genet, 2022 06;109:1153-1174). In silico splice site analysis predicts that this alteration may weaken the native splice acceptor site and will result in the creation or strengthening of a novel splice donor site. RNA studies have demonstrated that this alteration results in an incomplete splice defect; the clinical impact of this abnormal splicing is unknown at this time (Ambry internal data). In addition, as a missense, the in silico prediction by BayesDel for this alteration is inconclusive. Since supporting evidence is limited at this time, the clinical significance of this alteration remains unclear.

Labcorp Genetics (formerly Invitae), Labcorp
Classification: Uncertain significance for Hereditary breast ovarian cancer syndrome. Last evaluated: 2024-06-18. Review status: criteria provided, single submitter. Criteria: Invitae Variant Classification Sherloc (09022015). Collection method: clinical testing. Allele origin: germline.
Comment: This sequence change replaces glutamic acid, which is acidic and polar, with valine, which is neutral and non-polar, at codon 75 of the BRCA1 protein (p.Glu75Val). RNA analysis indicates that this missense change induces altered splicing and may result in an absent or disrupted protein product. This variant is not present in population databases (gnomAD no frequency). This variant has not been reported in the literature in individuals affected with BRCA1-related conditions. ClinVar contains an entry for this variant (Variation ID: 842334). Advanced modeling of protein sequence and biophysical properties (such as structural, functional, and spatial information, amino acid conservation, physicochemical variation, residue mobility, and thermodynamic stability) performed at Invitae indicates that this missense variant is not expected to disrupt BRCA1 protein function with a negative predictive value of 95%. Studies have shown that this missense change results in activation of cryptic splice sites and intron retention and introduces a premature termination codon (Invitae). The resulting mRNA is expected to undergo nonsense-mediated decay. In summary, the available evidence is currently insufficient to determine the role of this variant in disease. Therefore, it has been classified as a Variant of Uncertain Significance.

Literature cited by the submitters: PubMed 35659930 (cited by Ambry Genetics).